The following is an entry in ClinVar:

ClinVar aggregate classification (germline): Pathogenic. Review status: criteria provided, multiple submitters, no conflicts (2 of 4 stars). 2 submissions from 2 submitters: Pathogenic (2). Last evaluated 2024-07-31.

Conditions:
Sotos syndrome (SOTOS). Also called: Distinctive facial appearance, overgrowth in childhood, and learning disabilities or delayed development; SOTOS SYNDROME 1; CHROMOSOME 5q35 DELETION SYNDROME; CEREBRAL GIGANTISM; Sotos' syndrome. Identifiers: Orphanet 821, MedGen C0175695, MONDO:0019349, OMIM 117550.

Submissions (2):

GeneDx
Classification: Pathogenic. Last evaluated: 2024-07-31. Review status: criteria provided, single submitter. Criteria: GeneDx Variant Classification Process June 2021. Collection method: clinical testing. Allele origin: germline. Affected: yes.
Comment: Nonsense variant predicted to result in protein truncation or nonsense mediated decay in a gene for which loss of function is a known mechanism of disease; Not observed at significant frequency in large population cohorts (gnomAD); Has not been previously published as pathogenic or benign to our knowledge

University of Washington Department of Laboratory Medicine, University of Washington
Classification: Pathogenic for Sotos syndrome. Last evaluated: 2022-06-24. Review status: criteria provided, single submitter. Criteria: ACMG Guidelines, 2015. Collection method: clinical testing. Allele origin: de novo. Affected: yes.
Comment: However, a different nucleotide change (c.5127G>A) resulting in a premature termination at the same codon (p.Trp1709*) has been previously reported in an affected individual (Melchior 2005) and has been submitted to ClinVar (Variation ID: 1425282). The p.Trp1709* variant was absent from large population databases, including the Genome Aggregation Database. This variant leads to a premature termination codon in exon 14 of 23 exons and is predicted to undergo nonsense-mediated decay resulting in a truncated or absent protein. These predictions have not been tested directly. Heterozygous loss of function leading to haploinsufficiency of the NSD1 gene is an established mechanism of disease. Using ACMG guidelines, this variant was classified as pathogenic for autosomal dominant Sotos syndrome (ACMG evidence codes used: PVS1, PS1, PS2_moderate, PM2_supporting).

NM_022455.5(NSD1):c.5126G>A (p.Trp1709Ter)

Gene: NSD1 (nuclear receptor binding SET domain protein 1; plus strand). Cytogenetic location: 5q35.3.
Variant type: single nucleotide variant.
Coding change: c.5126G>A on transcript NM_022455.5 (MANE Select); coding-DNA position 5126, G replaced by A.
Protein change: p.Trp1709Ter; replaces tryptophan 1709 with a stop codon.
Molecular consequence: nonsense.
Genome position (GRCh38, 1-based): chr5:177,260,148, G>A. VCF-style: chr5-177260148-G-A. GRCh37 (hg19) VCF-style: chr5-176687149-G-A.
Other names: c.4253G>A, p.Trp1418Ter (NM_001365684.2, NM_001409308.1, NM_001409309.1 and 1 more transcripts); c.5126G>A, p.Trp1709Ter (NM_001409301.1, NM_001409302.1, NM_001409303.1); c.4706G>A, p.Trp1569Ter (NM_001409304.1); c.4373G>A, p.Trp1458Ter (NM_001409305.1); c.4364G>A, p.Trp1455Ter (NM_001409306.1, NM_001409307.1); short protein forms W1418*, W1455*, W1458*, W1569*, W1709*.
Identifiers: ClinVar variation 3602185 (VCV003602185.2).